The following is an entry in ClinVar:

ClinVar aggregate classification (germline): Uncertain significance (1 of 4 stars; one submission).

Conditions:
Inborn genetic diseases. Identifiers: MedGen C0950123, MeSH D030342.

Submission:

Ambry Genetics
Classification: Uncertain significance for Inborn genetic diseases. Last evaluated: 2025-03-30. Review status: criteria provided, single submitter. Criteria: Ambry Variant Classification Scheme 2023. Collection method: clinical testing. Allele origin: germline.
Comment: The p.P864S variant (also known as c.2590C>T), located in coding exon 12 of the BMPR2 gene, results from a C to T substitution at nucleotide position 2590. The proline at codon 864 is replaced by serine, an amino acid with similar properties. This amino acid position is conserved. In addition, the in silico prediction for this alteration is inconclusive. Based on the available evidence, the clinical significance of this variant remains unclear.

NM_001204.7(BMPR2):c.2590C>T (p.Pro864Ser)

Gene: BMPR2 (bone morphogenetic protein receptor type 2; plus strand). Cytogenetic location: 2q33.2.
Variant type: single nucleotide variant.
Coding change: c.2590C>T on transcript NM_001204.7 (MANE Select); coding-DNA position 2590, C replaced by T.
Protein change: p.Pro864Ser; replaces proline 864 with serine.
Molecular consequence: missense variant.
Genome position (GRCh38, 1-based): chr2:202,556,255, C>T. VCF-style: chr2-202556255-C-T. GRCh37 (hg19) VCF-style: chr2-203420978-C-T.
Other names: short protein forms P864S.
Identifiers: ClinVar variation 3992084 (VCV003992084.1).
Genomic context (GRCh38, chr2:202,556,255, plus strand): 5'-CAAGAAATGTTGCAGAATCAGTTTATTGGTGAGGACACCCGGCTGAATATTAATTCCAGT[C>T]CTGATGAGCATGAGCCTTTACTGAGACGAGAGCAACAAGCTGGCCATGATGAAGGTGTTC-3'
Protein context (NP_001195.2, residues 854-874): EDTRLNINSS[Pro864Ser]DEHEPLLRRE